The following is an entry in ClinVar:

ClinVar aggregate classification (germline): Uncertain significance (1 of 4 stars; one submission).

gnomAD v4.1: 2 of 1,614,078 alleles (0.00012%); highest among the groups gnomAD compares: Admixed American, 0.0017%; no homozygotes.

Submission:

Labcorp Genetics (formerly Invitae), Labcorp
Classification: Uncertain significance. Last evaluated: 2024-09-22. Review status: criteria provided, single submitter. Criteria: Invitae Variant Classification Sherloc (09022015). Collection method: clinical testing. Allele origin: germline.
Comment: This sequence change replaces serine, which is neutral and polar, with glycine, which is neutral and non-polar, at codon 1931 of the FLNB protein (p.Ser1931Gly). This variant is present in population databases (no rsID available, gnomAD 0.003%). This variant has not been reported in the literature in individuals affected with FLNB-related conditions. Invitae Evidence Modeling of protein sequence and biophysical properties (such as structural, functional, and spatial information, amino acid conservation, physicochemical variation, residue mobility, and thermodynamic stability) indicates that this missense variant is not expected to disrupt FLNB protein function with a negative predictive value of 95%. In summary, the available evidence is currently insufficient to determine the role of this variant in disease. Therefore, it has been classified as a Variant of Uncertain Significance.

NM_001457.4(FLNB):c.5791A>G (p.Ser1931Gly)

Gene: FLNB (filamin B; plus strand). Cytogenetic location: 3p14.3.
Variant type: single nucleotide variant.
Coding change: c.5791A>G on transcript NM_001457.4 (MANE Select); coding-DNA position 5791, A replaced by G.
Protein change: p.Ser1931Gly; replaces serine 1931 with glycine.
Molecular consequence: missense variant.
Genome position (GRCh38, 1-based): chr3:58,148,268, A>G. VCF-style: chr3-58148268-A-G. GRCh37 (hg19) VCF-style: chr3-58133995-A-G.
Other names: c.5884A>G, p.Ser1962Gly (NM_001164317.2); c.5758A>G, p.Ser1920Gly (NM_001164318.2); c.5719A>G, p.Ser1907Gly (NM_001164319.2); short protein forms S1907G, S1931G, S1962G, S1920G.
Identifiers: ClinVar variation 3670831 (VCV003670831.2).
Genomic context (GRCh38, chr3:58,148,268, plus strand): 5'-GACAGCAGGCGGTGCTCCCAGGTGAAGTTGGGCTCAGCCGCTGACTTCCTGCTCGACATC[A>G]GTGAGACTGACCTCAGCAGCCTGACGGCCAGCATTAAGGCCCCATCTGGCCGAGACGAGC-3'
Protein context (NP_001448.2, residues 1921-1941): GSAADFLLDI[Ser1931Gly]ETDLSSLTAS